The following is an entry in ClinVar:

ClinVar aggregate classification (germline): Conflicting classifications of pathogenicity. Review status: criteria provided, conflicting classifications (1 of 4 stars). 6 submissions from 6 submitters: Uncertain significance (3); Likely benign (2). 1 of the submissions does not count toward it. Last evaluated 2026-06-05.

Conditions:
Familial cancer of breast. Also called: Hereditary breast cancer; hereditary breast carcinoma; BREAST CANCER, FAMILIAL. Identifiers: Orphanet 227535, MedGen C0346153, MONDO:0016419, OMIM 114480. Disease mechanism: loss of function.
Breast-ovarian cancer, familial, susceptibility to, 1 (BROVCA1). Also called: OVARIAN CANCER, SUSCEPTIBILITY TO; BRCA1 Hereditary Breast and Ovarian Cancer. Identifiers: Orphanet 145, MedGen C2676676, MONDO:0011450, OMIM 604370. Disease mechanism: loss of function.
Fanconi anemia, complementation group S (FANCS). Identifiers: MedGen C4554406, MONDO:0054748, OMIM 617883.
Hereditary cancer-predisposing syndrome. Also called: Tumor predisposition; Neoplastic Syndromes, Hereditary; Hereditary Cancer Syndrome; Hereditary neoplastic syndrome. Identifiers: Orphanet 140162, MedGen C0027672, MeSH D009386, MONDO:0015356.
Hereditary breast ovarian cancer syndrome. Also called: Hereditary breast and ovarian cancer syndrome (HBOC); Hereditary breast and ovarian cancer syndrome; Hereditary breast and ovarian cancer; Hereditary breast and/or ovarian cancer syndrome; Breast and ovarian cancer; BRCA1- and BRCA2-Associated Hereditary Breast and Ovarian Cancer. Identifiers: Orphanet 145, MedGen C0677776, MeSH D061325, MONDO:0003582. Disease mechanism: loss of function.

Allele frequency attached by ClinVar (database versions not stated): gnomAD exomes below 0.00001; TOPMed below 0.00001; gnomAD 0.00001.
gnomAD v4.1: 3 of 1,595,030 alleles (0.00019%); highest among the groups gnomAD compares: Non-Finnish European, 0.00017%; no homozygotes.

Submissions (7):

Ambry Genetics
Classification: Likely benign for Hereditary cancer-predisposing syndrome. Last evaluated: 2026-06-05. Review status: criteria provided, single submitter. Criteria: Ambry Variant Classification Scheme 2023. Collection method: clinical testing. Allele origin: germline.

Labcorp Genetics (formerly Invitae), Labcorp
Classification: Uncertain significance for Hereditary breast ovarian cancer syndrome. Last evaluated: 2024-08-07. Review status: criteria provided, single submitter. Criteria: Invitae Variant Classification Sherloc (09022015). Collection method: clinical testing. Allele origin: germline.
Comment: This sequence change replaces leucine, which is neutral and non-polar, with arginine, which is basic and polar, at codon 49 of the BRCA1 protein (p.Leu49Arg). This variant is present in population databases (rs273897660, gnomAD 0.0009%). This variant has not been reported in the literature in individuals affected with BRCA1-related conditions. ClinVar contains an entry for this variant (Variation ID: 54263). Advanced modeling of protein sequence and biophysical properties (such as structural, functional, and spatial information, amino acid conservation, physicochemical variation, residue mobility, and thermodynamic stability) performed at Invitae indicates that this missense variant is not expected to disrupt BRCA1 protein function with a negative predictive value of 95%. Experimental studies have shown that this missense change does not substantially affect BRCA1 function (PMID: 30209399). In summary, the available evidence is currently insufficient to determine the role of this variant in disease. Therefore, it has been classified as a Variant of Uncertain Significance.

Lupski Lab, Baylor-Hopkins CMG, Baylor College of Medicine
Classification: Likely benign for Breast-ovarian cancer, familial, susceptibility to, 1. Last evaluated: 2024-04-12. Review status: criteria provided, single submitter. Criteria: Dawood et al. (medRxiv. 2024). Collection method: curation. Allele origin: germline.
Comment: Each variant was annotated with functional scores from MAVE data which was translated into functional evidence codes. All other evidence codes and combining criteria were adhered to as closely as possible based on the ClinGen VCEP (Variant Curation Expert Panel) gene-specific recommendations. See Supplemental Figure 34 of final paper (Supp Fig. 28 in preprint: doi:10.1101/2024.04.11.24305690) for a table to see which lines of evidence we did not have data for. The ClinGen VCEPs are highly regarded as the gold-standard for gene-specific variant curation and are developed after extensive evaluation of the evidence by clinical and scientific experts for the particular gene to classify genomic variants on a spectrum from pathogenic to benign using the 2015 ACMG/AMP Variant Interpretation Guidelines as a backbone (PMID: 25741868). Reclassification of these VUS variants from gnomAD or All of Us focused only on variants originally prescribed as VUS in ClinVar. To ensure reproducibility, transparency, and increased throughput, all the procedures for annotating variants and assigning evidence codes were codified using Python. All code has been made freely available and is linked in the Code Availability section and all reclassified variants with evidence codes used can be found in Tables S18-19 (preprint: doi:10.1101/2024.04.11.24305690). For the MAVE data, the clinical curation and clinical strength assignment as per the ClinGen recommendations in Brnich et al. (2020) (PMID: 31892348) for or against pathogenicity or benignity of each of these MAVE datasets utilized in this study were previously published in Fayer et al. (2021) (PMID: 34793697).In brief, for BRCA1 variants, if a variant was categorized as FUNC (functional), it was assigned BS3 evidence and no PS3 evidence, whereas if it was categorized as LOF (loss of function), the variant was assigned PS3 evidence and no BS3 evidence. Variants categorized as INT (intermediate) were left unannotated. For the BRCA1 combining criteria, greater than or equal to 1 criteria of strong benign evidence was enough to reclassify the VUS as Likely Benign. This variant GRCh38:17:43106522:A>C was assigned evidence codes ['BS3', 'BP4'] and an overall classification of Likely benign

Department of Pathology and Laboratory Medicine, Sinai Health System
Classification: Uncertain significance for Familial cancer of breast; Breast-ovarian cancer, familial, susceptibility to, 1; Fanconi anemia, complementation group S. Last evaluated: 2023-12-08. Review status: criteria provided, single submitter. Criteria: ACMG Guidelines, 2015. Collection method: clinical testing. Allele origin: germline. Affected: yes.

Color Diagnostics, LLC DBA Color Health
Classification: Uncertain significance for Hereditary cancer-predisposing syndrome. Last evaluated: 2019-01-15. Review status: criteria provided, single submitter. Criteria: ACMG Guidelines, 2015. Collection method: clinical testing. Allele origin: germline.

Breast Cancer Information Core (BIC) (BRCA1)
Classification: Uncertain significance for Breast-ovarian cancer, familial 1. Review status: no assertion criteria provided. Collection method: clinical testing. Allele origin: germline. Affected: yes. Observed: 2 variant alleles. Not counted in ClinVar's aggregate classification.

Brotman Baty Institute, University of Washington
No classification provided (evidence only). Condition: Breast-ovarian cancer, familial 1. Review status: no classification provided. Collection method: in vitro. Allele origin: not applicable. Functional consequence: functionally_normal. Not counted in ClinVar's aggregate classification.
ClinVar note: "not provided" was previously submitted as the classification for the variant. However, the classification appeared to be based only on an observation of functional data so it was converted to no classification on 2025-07-30.

Literature cited by the submitters: PubMed 30209399 (cited by Ambry Genetics and Labcorp Genetics (formerly Invitae), Labcorp); PubMed 35659930 (cited by Ambry Genetics); PubMed 39142283 (cited by Lupski Lab, Baylor-Hopkins CMG, Baylor College of Medicine); PubMed 34793697 (cited by Lupski Lab, Baylor-Hopkins CMG, Baylor College of Medicine); DOI 10.1101/2024.04.11.24305690 (cited by Lupski Lab, Baylor-Hopkins CMG, Baylor College of Medicine).

NM_007294.4(BRCA1):c.146T>G (p.Leu49Arg)

Gene: BRCA1 (BRCA1 DNA repair associated; minus strand). Cytogenetic location: 17q21.31.
Variant type: single nucleotide variant.
Coding change: c.146T>G on transcript NM_007294.4 (MANE Select); coding-DNA position 146, T replaced by G.
Protein change: p.Leu49Arg; replaces leucine 49 with arginine.
Molecular consequence: missense variant. On other transcripts: non-coding transcript variant (1).
Genome position (GRCh38, 1-based): chr17:43,106,522, A>C on the plus strand (T>G on the coding strand, the complement: BRCA1 is on the minus strand). VCF-style: chr17-43106522-A-C. GRCh37 (hg19) VCF-style: chr17-41258539-A-C.
Other names: c.146T>G, p.Leu49Arg (NM_001407969.1, NM_001407970.1, NM_001407971.1 and 168 more transcripts); c.5T>G, p.Leu2Arg (NM_001408410.1, NM_001408452.1, NM_001408453.1 and 99 more transcripts); c.-43T>G (NM_001408478.1, NM_001408479.1, NM_001408480.1 and 58 more transcripts); short protein forms L49R, L2R.
Identifiers: ClinVar variation 54263 (VCV000054263.22), dbSNP rs273897660, ClinGen allele CA000986.
Genomic context (GRCh38, chr17:43,106,522, plus strand): 5'-GTTATATCATTCTTACATAAAGGACACTGTGAAGGCCCTTTCTTCTGGTTGAGAAGTTTC[A>C]GCATGCAAAATCTATAAATTATAAAGAAAGAAAGAACAATTTAATTTACTTCCTTTTGTA-3'
Protein context (NP_009225.1, residues 39-59): CDHIFCKFCM[Leu49Arg]KLLNQKKGPS